The following is an entry in ClinVar:

NM_003823.4(TNFRSF6B):c.332G>A (p.Arg111His)

Genes: RTEL1-TNFRSF6B (RTEL1-TNFRSF6B readthrough (NMD candidate); plus strand), TNFRSF6B (TNF receptor superfamily member 6b; plus strand). Cytogenetic location: 20q13.33.
Variant type: single nucleotide variant.
Coding change: c.332G>A on transcript NM_003823.4 (MANE Select); coding-DNA position 332, G replaced by A.
Protein change: p.Arg111His; replaces arginine 111 with histidine.
Molecular consequence: missense variant. On other transcripts: non-coding transcript variant (1).
Genome position (GRCh38, 1-based): chr20:63,697,099, G>A. VCF-style: chr20-63697099-G-A. GRCh37 (hg19) VCF-style: chr20-62328452-G-A.
Other names: c.332G>A (NM_003823.3); short protein forms R111H.
Identifiers: ClinVar variation 2775844 (VCV002775844.4), dbSNP rs781481508, ClinGen allele CA9966410.

ClinVar aggregate classification (germline): Uncertain significance. Review status: criteria provided, multiple submitters, no conflicts (2 of 4 stars). 2 submissions from 2 submitters: Uncertain significance (2). Last evaluated 2025-03-04.

Conditions:
TNFRSF6B-related disorder. Also called: TNFRSF6B-related condition.

Allele frequency attached by ClinVar (database versions not stated): TOPMed below 0.00001; ExAC 0.00001; gnomAD 0.00001.
gnomAD v4.1: 10 of 1,598,342 alleles (0.00063%); highest among the groups gnomAD compares: African/African-American, 0.0027%; no homozygotes.

Submissions (2):

PreventionGenetics, part of Exact Sciences
Classification: Uncertain significance for TNFRSF6B-related condition. Last evaluated: 2025-03-04. Review status: criteria provided, single submitter. Criteria: ACMG Guidelines, 2015. Collection method: clinical testing. Allele origin: germline.
Comment: The TNFRSF6B c.332G>A variant is predicted to result in the amino acid substitution p.Arg111His. To our knowledge, this variant has not been reported in the literature. This variant is reported in 0.0047% of alleles in individuals of African descent in gnomAD. At this time, the clinical significance of this variant is uncertain due to the absence of conclusive functional and genetic evidence.

Labcorp Genetics (formerly Invitae), Labcorp
Classification: Uncertain significance. Last evaluated: 2024-01-26. Review status: criteria provided, single submitter. Criteria: Invitae Variant Classification Sherloc (09022015). Collection method: clinical testing. Allele origin: germline.
Comment: This sequence change replaces arginine, which is basic and polar, with histidine, which is basic and polar, at codon 111 of the TNFRSF6B protein (p.Arg111His). The frequency data for this variant in the population databases is considered unreliable, as metrics indicate poor data quality at this position in the gnomAD database. This variant has not been reported in the literature in individuals affected with TNFRSF6B-related conditions. Algorithms developed to predict the effect of missense changes on protein structure and function output the following: SIFT: "Not Available"; PolyPhen-2: "Possibly Damaging"; Align-GVGD: "Not Available". The histidine amino acid residue is found in multiple mammalian species, which suggests that this missense change does not adversely affect protein function. In summary, the available evidence is currently insufficient to determine the role of this variant in disease. Therefore, it has been classified as a Variant of Uncertain Significance.